The following is an entry in ClinVar:

ClinVar aggregate classification (germline): other (0 of 4 stars; one submission).

Conditions:
Familial colorectal cancer. Identifiers: MedGen CN280943, MONDO:0023113. Disease mechanism: loss of function.

Allele frequency attached by ClinVar (database versions not stated): 1000 Genomes Project 30x 0.70237; 1000 Genomes Project 0.70567; gnomAD 0.63326 and 0.64034; TOPMed 0.65480.
gnomAD v4.1: 97,323 of 151,984 alleles (64%); highest among the groups gnomAD compares: East Asian, 82%; 31,450 homozygotes.

Submission:

Systems Biology Platform Zhejiang California International NanoSystems Institute
Classification: other for Familial colorectal cancer. Review status: no assertion criteria provided. Collection method: not provided. Allele origin: unknown.
ClinVar note: Converted during submission from cancer to other.

NM_000038.6(APC):c.934-360T>G

Gene: APC (APC regulator of WNT signaling pathway; plus strand). Cytogenetic location: 5q22.2.
Variant type: single nucleotide variant.
Coding change: c.934-360T>G on transcript NM_000038.6 (MANE Select); 360 bases into the intron before coding-DNA position 934, T replaced by G.
Molecular consequence: intron variant.
Genome position (GRCh38, 1-based): chr5:112,818,606, T>G. VCF-style: chr5-112818606-T-G. GRCh37 (hg19) VCF-style: chr5-112154303-T-G.
Other names: c.934-360T>G (NM_001354895.2, NM_001127510.3, NM_001354896.2); c.964-360T>G (NM_001354897.2); c.964-663T>G (NM_001354902.2); c.880-360T>G (NM_001127511.3); c.859-360T>G (NM_001354898.2); c.859-663T>G (NM_001354904.2); c.85-360T>G (NM_001354906.2); c.934-663T>G (NM_001354903.2); and 3 more.
Identifiers: ClinVar variation 83121 (VCV000083121.2), dbSNP rs464708, ClinGen allele CA015894.